The following is an entry in ClinVar:

ClinVar aggregate classification (germline): Uncertain significance. Review status: criteria provided, single submitter (1 of 4 stars). 2 submissions from 2 submitters: Uncertain significance (1). 1 of the submissions does not count toward it. Last evaluated 2021-09-24.

Conditions:
PCNT-related disorder. Also called: PCNT-related condition.

Submissions (2):

Labcorp Genetics (formerly Invitae), Labcorp
Classification: Uncertain significance. Last evaluated: 2021-09-24. Review status: criteria provided, single submitter. Criteria: Invitae Variant Classification Sherloc (09022015). Collection method: clinical testing. Allele origin: germline.
Comment: This variant, c.8389_8391del, results in the deletion of 1 amino acid(s) of the PCNT protein (p.Glu2797del), but otherwise preserves the integrity of the reading frame. This variant is present in population databases (rs760927489, ExAC 0.006%). This variant has not been reported in the literature in individuals affected with PCNT-related conditions. Experimental studies and prediction algorithms are not available or were not evaluated, and the functional significance of this variant is currently unknown. In summary, the available evidence is currently insufficient to determine the role of this variant in disease. Therefore, it has been classified as a Variant of Uncertain Significance.

PreventionGenetics, part of Exact Sciences
Classification: Uncertain significance for PCNT-related condition. Last evaluated: 2024-05-06. Review status: no assertion criteria provided. Collection method: clinical testing. Allele origin: germline. Not counted in ClinVar's aggregate classification.
Comment: The PCNT c.8389_8391delGAG variant is predicted to result in an in-frame deletion (p.Glu2797del). To our knowledge, this variant has not been reported in the literature. This variant is reported in 0.0040% of alleles in individuals of African descent in gnomAD. At this time, the clinical significance of this variant is uncertain due to the absence of conclusive functional and genetic evidence.

NM_006031.6(PCNT):c.8386GAG[1] (p.Glu2797del)

Gene: PCNT (pericentrin; plus strand). Cytogenetic location: 21q22.3.
Variant type: Microsatellite.
Coding change: c.8386GAG[1] on transcript NM_006031.6 (MANE Select); one copy of the 3-base unit GAG starting at c.8386; the reference has two copies in a row; one copy, 3 bases deleted.
Protein change: p.Glu2797del; deletes glutamic acid 2797.
Molecular consequence: inframe deletion.
Genome position (GRCh38, 1-based): chr21:46,431,853-46,431,855, GAG deleted; deleting any 3 consecutive bases within chr21:46,431,848-46,431,855 gives the same sequence; the position shown is the placement nearest the transcript's 3' end. VCF-style (leftmost placement, unchanged base first): chr21-46431847-AAGG-A. GRCh37 (hg19) VCF-style: chr21-47851761-AAGG-A.
Other names: c.8032GAG[1], p.Glu2679del (NM_001315529.2); c.8389_8391delGAG (NM_006031.5); short protein forms E2679del, E2797del.
Identifiers: ClinVar variation 1476793 (VCV001476793.6), dbSNP rs760927489, ClinGen allele CA10080958.